The following is an entry in ClinVar:

NM_001378454.1(ALMS1):c.6107A>G (p.Gln2036Arg)

Gene: ALMS1 (ALMS1 centrosome and basal body associated protein; plus strand). Cytogenetic location: 2p13.1.
Variant type: single nucleotide variant.
Coding change: c.6107A>G on transcript NM_001378454.1 (MANE Select); coding-DNA position 6107, A replaced by G.
Protein change: p.Gln2036Arg; replaces glutamine 2036 with arginine.
Molecular consequence: missense variant.
Genome position (GRCh38, 1-based): chr2:73,452,634, A>G. VCF-style: chr2-73452634-A-G. GRCh37 (hg19) VCF-style: chr2-73679761-A-G.
Other names: c.6110A>G, p.Gln2037Arg (NM_015120.4); short protein forms Q2036R, Q2037R.
Identifiers: ClinVar variation 2424559 (VCV002424559.3), dbSNP rs770371483, ClinGen allele CA50397460.

ClinVar aggregate classification (germline): Uncertain significance (1 of 4 stars; one submission).

Conditions:
Alstrom syndrome (ALMS). Identifiers: Orphanet 64, MedGen C0268425, MONDO:0008763, OMIM 203800.

Allele frequency attached by ClinVar (database versions not stated): gnomAD exomes 0.00002.
gnomAD v4.1: 26 of 1,614,086 alleles (0.0016%); highest among the groups gnomAD compares: Non-Finnish European, 0.0021%; no homozygotes.

Submission:

Labcorp Genetics (formerly Invitae), Labcorp
Classification: Uncertain significance for Alstrom syndrome. Last evaluated: 2022-01-06. Review status: criteria provided, single submitter. Criteria: Invitae Variant Classification Sherloc (09022015). Collection method: clinical testing. Allele origin: germline.
Comment: This sequence change replaces glutamine, which is neutral and polar, with arginine, which is basic and polar, at codon 2037 of the ALMS1 protein (p.Gln2037Arg). This variant is not present in population databases (gnomAD no frequency). This variant has not been reported in the literature in individuals affected with ALMS1-related conditions. Experimental studies and prediction algorithms are not available or were not evaluated, and the functional significance of this variant is currently unknown. In summary, the available evidence is currently insufficient to determine the role of this variant in disease. Therefore, it has been classified as a Variant of Uncertain Significance.